The following is an entry in ClinVar:

ClinVar aggregate classification (germline): Uncertain significance (1 of 4 stars; one submission).

Conditions:
Ullrich congenital muscular dystrophy 2 (UCMD2). Identifiers: Orphanet 75840, MedGen C4225314, MONDO:0014654, OMIM 616470.
Bethlem myopathy 2 (BTHLM2). Identifiers: Orphanet 536516, Orphanet 610, MedGen C4225313, MONDO:0034022, OMIM 616471.

Submission:

Labcorp Genetics (formerly Invitae), Labcorp
Classification: Uncertain significance for Bethlem myopathy 2; Ullrich congenital muscular dystrophy 2. Last evaluated: 2024-07-29. Review status: criteria provided, single submitter. Criteria: Invitae Variant Classification Sherloc (09022015). Collection method: clinical testing. Allele origin: germline.
Comment: This sequence change replaces glycine, which is neutral and non-polar, with glutamic acid, which is acidic and polar, at codon 930 of the COL12A1 protein (p.Gly930Glu). This variant is not present in population databases (gnomAD no frequency). This variant has not been reported in the literature in individuals affected with COL12A1-related conditions. Advanced modeling of protein sequence and biophysical properties (such as structural, functional, and spatial information, amino acid conservation, physicochemical variation, residue mobility, and thermodynamic stability) performed at Invitae indicates that this missense variant is expected to disrupt COL12A1 protein function with a positive predictive value of 80%. In summary, the available evidence is currently insufficient to determine the role of this variant in disease. Therefore, it has been classified as a Variant of Uncertain Significance.

NM_004370.6(COL12A1):c.2789G>A (p.Gly930Glu)

Gene: COL12A1 (collagen type XII alpha 1 chain; minus strand). Cytogenetic location: 6q13.
Variant type: single nucleotide variant.
Coding change: c.2789G>A on transcript NM_004370.6 (MANE Select); coding-DNA position 2789, G replaced by A.
Protein change: p.Gly930Glu; replaces glycine 930 with glutamic acid.
Molecular consequence: missense variant. On other transcripts: intron variant (2).
Genome position (GRCh38, 1-based): chr6:75,165,701, C>T on the plus strand (G>A on the coding strand, the complement: COL12A1 is on the minus strand). VCF-style: chr6-75165701-C-T. GRCh37 (hg19) VCF-style: chr6-75875417-C-T.
Other names: c.74-13219G>A (NM_080645.3, NM_001424116.1); c.2789G>A, p.Gly930Glu (NM_001424113.1, NM_001424114.1); c.2516G>A, p.Gly839Glu (NM_001424115.1); short protein forms G839E, G930E.
Identifiers: ClinVar variation 3757434 (VCV003757434.2).